The following is an entry in ClinVar:

ClinVar aggregate classification (germline): Uncertain significance (0 of 4 stars; one submission).

Conditions:
SDCCAG8-related disorder. Also called: SDCCAG8-Related Disorders; SDCCAG8-related condition.

Submission:

PreventionGenetics, part of Exact Sciences
Classification: Uncertain significance for SDCCAG8-related condition. Last evaluated: 2024-09-17. Review status: no assertion criteria provided. Collection method: clinical testing. Allele origin: germline.
Comment: The SDCCAG8 c.-261+2T>C variant is located in the 5' untranslated region. This variant corresponds to c.740+348T>C, a deep intronic position in the primary transcript for this gene (NM_006642.3). To our knowledge, this variant has not been reported in the literature or in a large population database, indicating this variant is rare. At this time, the clinical significance of this variant is uncertain due to the absence of conclusive functional and genetic evidence.

NM_006642.5(SDCCAG8):c.740+348T>C

Gene: SDCCAG8 (SHH signaling and ciliogenesis regulator SDCCAG8; plus strand). Cytogenetic location: 1q43.
Variant type: single nucleotide variant.
Coding change: c.740+348T>C on transcript NM_006642.5 (MANE Select); 348 bases into the intron after coding-DNA position 740, T replaced by C.
Molecular consequence: intron variant. On other transcripts: 5 prime UTR variant (1), splice donor variant (1).
Genome position (GRCh38, 1-based): chr1:243,305,125, T>C. VCF-style: chr1-243305125-T-C. GRCh37 (hg19) VCF-style: chr1-243468427-T-C.
Other names: c.-424T>C (NM_001350251.2); c.446+348T>C (NM_001350249.2); c.836+348T>C (NM_001350248.2); c.-261+2T>C (NM_001350246.2); c.-261+348T>C (NM_001350247.2).
Identifiers: ClinVar variation 3358380 (VCV003358380.1).